The following is an entry in ClinVar:

ClinVar aggregate classification (germline): Likely benign (0 of 4 stars; one submission).

Conditions:
MYO9B-related disorder. Also called: MYO9B-related condition.

Allele frequency attached by ClinVar (database versions not stated): ExAC 0.00087; gnomAD 0.00171; ESP Exome Variant Server 0.00210; TOPMed 0.00223; 1000 Genomes Project 0.00240; 1000 Genomes Project 30x 0.00281.
gnomAD v4.1: 565 of 1,571,596 alleles (0.036%); highest among the groups gnomAD compares: African/African-American, 0.65%; 2 homozygotes.

Submission:

PreventionGenetics, part of Exact Sciences
Classification: Likely benign for MYO9B-related condition. Last evaluated: 2022-02-09. Review status: no assertion criteria provided. Collection method: clinical testing. Allele origin: germline.
Comment: This variant is classified as likely benign based on ACMG/AMP sequence variant interpretation guidelines (Richards et al. 2015 PMID: 25741868, with internal and published modifications).

NM_004145.4(MYO9B):c.5260C>G (p.Pro1754Ala)

Gene: MYO9B (myosin IXB; plus strand). Cytogenetic location: 19p13.11.
Variant type: single nucleotide variant.
Coding change: c.5260C>G on transcript NM_004145.4 (MANE Select); coding-DNA position 5260, C replaced by G.
Protein change: p.Pro1754Ala; replaces proline 1754 with alanine.
Molecular consequence: missense variant.
Genome position (GRCh38, 1-based): chr19:17,206,250, C>G. VCF-style: chr19-17206250-C-G. GRCh37 (hg19) VCF-style: chr19-17317059-C-G.
Other names: c.5260C>G, p.Pro1754Ala (NM_001130065.2); short protein forms P1754A.
Identifiers: ClinVar variation 3048979 (VCV003048979.2), dbSNP rs183155578, ClinGen allele CA9288514.